The following is an entry in ClinVar:

ClinVar aggregate classification (germline): Uncertain significance. Review status: criteria provided, multiple submitters, no conflicts (2 of 4 stars). 2 submissions from 2 submitters: Uncertain significance (2). Last evaluated 2025-03-09.

Conditions:
Familial thoracic aortic aneurysm and aortic dissection (TAAD). Also called: Thoracic aortic aneurysms and dissections. Identifiers: Orphanet 91387, MedGen C4707243, MONDO:0019625.
Adams-Oliver syndrome 5 (AOS5). Identifiers: Orphanet 974, MedGen C4014970, MONDO:0014459, OMIM 616028.

gnomAD v4.1: 6 of 1,613,066 alleles (0.00037%); highest among the groups gnomAD compares: Non-Finnish European, 0.00051%; no homozygotes.

Submissions (2):

Ambry Genetics
Classification: Uncertain significance for Familial thoracic aortic aneurysm and aortic dissection. Last evaluated: 2025-03-09. Review status: criteria provided, single submitter. Criteria: Ambry Variant Classification Scheme 2023. Collection method: clinical testing. Allele origin: germline.
Comment: The p.S2360C variant (also known as c.7079C>G), located in coding exon 34 of the NOTCH1 gene, results from a C to G substitution at nucleotide position 7079. The serine at codon 2360 is replaced by cysteine, an amino acid with dissimilar properties. This amino acid position is conserved. In addition, the in silico prediction for this alteration is inconclusive. Based on the available evidence, the clinical significance of this variant remains unclear.

Labcorp Genetics (formerly Invitae), Labcorp
Classification: Uncertain significance for Adams-Oliver syndrome 5. Last evaluated: 2025-01-06. Review status: criteria provided, single submitter. Criteria: Invitae Variant Classification Sherloc (09022015). Collection method: clinical testing. Allele origin: germline.
Comment: This sequence change replaces serine, which is neutral and polar, with cysteine, which is neutral and slightly polar, at codon 2360 of the NOTCH1 protein (p.Ser2360Cys). This variant is not present in population databases (gnomAD no frequency). This variant has not been reported in the literature in individuals affected with NOTCH1-related conditions. Invitae Evidence Modeling of protein sequence and biophysical properties (such as structural, functional, and spatial information, amino acid conservation, physicochemical variation, residue mobility, and thermodynamic stability) indicates that this missense variant is not expected to disrupt NOTCH1 protein function with a negative predictive value of 80%. In summary, the available evidence is currently insufficient to determine the role of this variant in disease. Therefore, it has been classified as a Variant of Uncertain Significance.

NM_017617.5(NOTCH1):c.7079C>G (p.Ser2360Cys)

Gene: NOTCH1 (notch receptor 1; minus strand). Cytogenetic location: 9q34.3.
Variant type: single nucleotide variant.
Coding change: c.7079C>G on transcript NM_017617.5 (MANE Select); coding-DNA position 7079, C replaced by G.
Protein change: p.Ser2360Cys; replaces serine 2360 with cysteine.
Molecular consequence: missense variant.
Genome position (GRCh38, 1-based): chr9:136,496,660, G>C on the plus strand (C>G on the coding strand, the complement: NOTCH1 is on the minus strand). VCF-style: chr9-136496660-G-C. GRCh37 (hg19) VCF-style: chr9-139391112-G-C.
Other names: c.7079C>G (NM_017617.3); short protein forms S2360C.
Identifiers: ClinVar variation 3665808 (VCV003665808.3).